The following is an entry in ClinVar:

NM_138459.5(NUS1):c.413A>G (p.Gln138Arg)

Gene: NUS1 (NUS1 dehydrodolichyl diphosphate synthase subunit; plus strand). Cytogenetic location: 6q22.1.
Variant type: single nucleotide variant.
Coding change: c.413A>G on transcript NM_138459.5 (MANE Select); coding-DNA position 413, A replaced by G.
Protein change: p.Gln138Arg; replaces glutamine 138 with arginine.
Molecular consequence: missense variant.
Genome position (GRCh38, 1-based): chr6:117,676,083, A>G. VCF-style: chr6-117676083-A-G. GRCh37 (hg19) VCF-style: chr6-117997246-A-G.
Other names: short protein forms Q138R.
Identifiers: ClinVar variation 1433270 (VCV001433270.6), dbSNP rs2114674884, ClinGen allele CA365536576.
Genomic context (GRCh38, chr6:117,676,083, plus strand): 5'-CGAGCCTCGTGGTGTGGTGTATGGCCGTGGGCATCTCCTACATTAGCGTCTACGACCACC[A>G]AGGTGAGGCCCGGTGCGGTGGTGGGGGGTGGCCGAGGCGTCTTGGACCGCTAGACCGCTG-3'
Protein context (NP_612468.1, residues 128-148): GISYISVYDH[Gln138Arg]GIFKRNNSRL

ClinVar aggregate classification (germline): Uncertain significance (1 of 4 stars; one submission).

Conditions:
Congenital disorder of glycosylation, type Iaa. Also called: Congenital disorder of glycosylation, type 1aa. Identifiers: MedGen C4310727, MONDO:0014904, OMIM 617082.

Submission:

Labcorp Genetics (formerly Invitae), Labcorp
Classification: Uncertain significance for Congenital disorder of glycosylation, type Iaa. Last evaluated: 2021-10-22. Review status: criteria provided, single submitter. Criteria: Invitae Variant Classification Sherloc (09022015). Collection method: clinical testing. Allele origin: germline.
Comment: This sequence change replaces glutamine with arginine at codon 138 of the NUS1 protein (p.Gln138Arg). The glutamine residue is moderately conserved and there is a small physicochemical difference between glutamine and arginine. This variant is not present in population databases (ExAC no frequency). This variant has not been reported in the literature in individuals affected with NUS1-related conditions. Algorithms developed to predict the effect of missense changes on protein structure and function (SIFT, PolyPhen-2, Align-GVGD) all suggest that this variant is likely to be tolerated. In summary, the available evidence is currently insufficient to determine the role of this variant in disease. Therefore, it has been classified as a Variant of Uncertain Significance.